The following is an entry in ClinVar:

ClinVar aggregate classification (germline): Uncertain significance (1 of 4 stars; one submission).

Allele frequency attached by ClinVar (database versions not stated): gnomAD exomes below 0.00001; TOPMed below 0.00001.
gnomAD v4.1: 2 of 1,613,864 alleles (0.00012%); highest among the groups gnomAD compares: Non-Finnish European, 0.00017%; no homozygotes.

Submission:

CeGaT Center for Human Genetics Tuebingen
Classification: Uncertain significance. Last evaluated: 2022-03-01. Review status: criteria provided, single submitter. Criteria: CeGaT Center For Human Genetics Tuebingen Variant Classification Criteria Version 2. Collection method: clinical testing. Allele origin: germline. Affected: yes. Observed: 1 variant allele.
Comment: RALGAPA2: PM2

NM_020343.4(RALGAPA2):c.5506C>T (p.Arg1836Ter)

Gene: RALGAPA2 (Ral GTPase activating protein catalytic subunit alpha 2; minus strand). Cytogenetic location: 20p11.23.
Variant type: single nucleotide variant.
Coding change: c.5506C>T on transcript NM_020343.4 (MANE Select); coding-DNA position 5506, C replaced by T.
Protein change: p.Arg1836Ter; replaces arginine 1836 with a stop codon.
Molecular consequence: nonsense.
Genome position (GRCh38, 1-based): chr20:20,412,138, G>A on the plus strand (C>T on the coding strand, the complement: RALGAPA2 is on the minus strand). VCF-style: chr20-20412138-G-A. GRCh37 (hg19) VCF-style: chr20-20392782-G-A.
Other names: short protein forms R1836*.
Identifiers: ClinVar variation 2652232 (VCV002652232.24), dbSNP rs2060075185, ClinGen allele CA408381954.
Genomic context (GRCh38, chr20:20,412,138, plus strand): 5'-AATCCTCGAATGTCATTACTTCGCGGTGGTTCTGAATTATTGCTTCGAGATACAGAGCTC[G>A]CTCTTCATAGCTGCGGTAATCGGTTAAGGAAACAAGTGCACGTGCAAAGTGGCATGCAGA-3'